The following is an entry in ClinVar:

NM_006231.4(POLE):c.3728A>C (p.Gln1243Pro)

Gene: POLE (DNA polymerase epsilon, catalytic subunit; minus strand). Cytogenetic location: 12q24.33.
Variant type: single nucleotide variant.
Coding change: c.3728A>C on transcript NM_006231.4 (MANE Select); coding-DNA position 3728, A replaced by C.
Protein change: p.Gln1243Pro; replaces glutamine 1243 with proline.
Molecular consequence: missense variant.
Genome position (GRCh38, 1-based): chr12:132,649,744, T>G on the plus strand (A>C on the coding strand, the complement: POLE is on the minus strand). VCF-style: chr12-132649744-T-G. GRCh37 (hg19) VCF-style: chr12-133226330-T-G.
Other names: short protein forms Q1243P.
Identifiers: ClinVar variation 942576 (VCV000942576.9), dbSNP rs2042378286, ClinGen allele CA387386293.

ClinVar aggregate classification (germline): Uncertain significance (1 of 4 stars; one submission).

Submission:

Labcorp Genetics (formerly Invitae), Labcorp
Classification: Uncertain significance. Last evaluated: 2021-05-13. Review status: criteria provided, single submitter. Criteria: Invitae Variant Classification Sherloc (09022015). Collection method: clinical testing. Allele origin: germline.
Comment: This sequence change replaces glutamine with proline at codon 1243 of the POLE protein (p.Gln1243Pro). The glutamine residue is moderately conserved and there is a moderate physicochemical difference between glutamine and proline. This variant is not present in population databases (ExAC no frequency). This variant has not been reported in the literature in individuals with POLE-related conditions. Algorithms developed to predict the effect of missense changes on protein structure and function are either unavailable or do not agree on the potential impact of this missense change (SIFT: "Deleterious"; PolyPhen-2: "Benign"; Align-GVGD: "Class C15"). In summary, the available evidence is currently insufficient to determine the role of this variant in disease. Therefore, it has been classified as a Variant of Uncertain Significance.